The following is an entry in ClinVar:

NC_000004.12:g.160140992_160149907del

Variant type: Deletion.
Genome position: GRCh38: chr4:160,140,992-160,149,907. GRCh37 (hg19): chr4:161,062,144-161,071,059.
Identifiers: ClinVar variation 156937 (VCV000156937.3), ClinGen allele CA212094.

ClinVar aggregate classification (germline): not provided. Review status: no classification provided (0 of 4 stars). 2 submissions from 1 submitter: not provided (2).

Conditions:
Small for gestational age. Also called: Low birth weight. Identifiers: MedGen C0235991, HP:0001518.
Gestational diabetes mellitus uncontrolled. Identifiers: MedGen C3532257.

Submissions (2):

Institute of Molecular and Cell Biology, University of Tartu
No classification provided. Condition: Small for gestational age. Review status: no classification provided. Collection method: case-control. Allele origin: unknown. Affected: yes. Study: Kasak2014.
Comment: The study aimed to determine the contribution of copy number variants in the genetic etiology of normal and complicated pregnancies. The samples represented (i) maternal blood DNA drawn from healthy pregnant women during 1st or 2nd trimester and (ii) maternal and paternal blood DNA drawn at term pregnancy cases representing normal and complicated gestations (severe preeclampsia, PE; gestational diabetes, GD; small-for-gestational age newborn, SGA; large-for-gestational age newborn, LGA). We performed CNV calling based on genome-wide genotyping dataset (Illumina HumanOmniExpress-24-v1 BeadChip) by applying three algorithms, QuantiSNP, GADA (Genome Alteration Detection Algorithm) and CNstream in parallel. The acquired CNV calls were merged with HD-CNV (Hotspot Detector for Copy Number Variants) program and only the CNVs predicted by at least two programs, were considered in subsequent analysis.

Institute of Molecular and Cell Biology, University of Tartu
No classification provided. Condition: Gestational diabetes mellitus uncontrolled. Review status: no classification provided. Collection method: case-control. Allele origin: unknown. Affected: yes. Study: Kasak2014.
Comment: the same text as in the submission from Institute of Molecular and Cell Biology, University of Tartu above.

Literature cited by the submitters: PubMed 25666259.